The following is an entry in ClinVar:

ClinVar aggregate classification (germline): Conflicting classifications of pathogenicity. Review status: criteria provided, conflicting classifications (1 of 4 stars). 2 submissions from 2 submitters: Uncertain significance (1); Likely benign (1). Last evaluated 2025-03-06.

Conditions:
Inborn genetic diseases. Identifiers: MedGen C0950123, MeSH D030342.

Allele frequency attached by ClinVar (database versions not stated): gnomAD exomes 0.00002 and 0.00006; gnomAD 0.00003; TOPMed 0.00004; ExAC 0.00007; 1000 Genomes Project 30x 0.00016; 1000 Genomes Project 0.00020.
gnomAD v4.1: 42 of 1,614,078 alleles (0.0026%); highest among the groups gnomAD compares: Admixed American, 0.012%; no homozygotes.

Submissions (2):

Ambry Genetics
Classification: Likely benign for Inborn genetic diseases. Last evaluated: 2025-03-06. Review status: criteria provided, single submitter. Criteria: Ambry Variant Classification Scheme 2023. Collection method: clinical testing. Allele origin: germline.

Women's Health and Genetics/Laboratory Corporation of America, LabCorp
Classification: Uncertain significance. Last evaluated: 2024-08-02. Review status: criteria provided, single submitter. Criteria: LabCorp Variant Classification Summary - May 2015. Collection method: clinical testing. Allele origin: germline.
Comment: Variant summary: KMT5B c.1922C>T (p.Ala641Val) results in a non-conservative amino acid change in the encoded protein sequence. Four of five in-silico tools predict a benign effect of the variant on protein function. The variant allele was found at a frequency of 6e-05 in 250986 control chromosomes. This frequency is not significantly higher than estimated for a pathogenic variant in KMT5B causing Mental Retardation, Autosomal Dominant, allowing no conclusion about variant significance. To our knowledge, no occurrence of c.1922C>T in individuals affected with Mental Retardation, Autosomal Dominant and no experimental evidence demonstrating its impact on protein function have been reported. ClinVar contains an entry for this variant (Variation ID: 917661). Based on the evidence outlined above, the variant was classified as uncertain significance.

NM_017635.5(KMT5B):c.1922C>T (p.Ala641Val)

Gene: KMT5B (lysine methyltransferase 5B; minus strand). Cytogenetic location: 11q13.2.
Variant type: single nucleotide variant.
Coding change: c.1922C>T on transcript NM_017635.5 (MANE Select); coding-DNA position 1922, C replaced by T.
Protein change: p.Ala641Val; replaces alanine 641 with valine.
Molecular consequence: missense variant.
Genome position (GRCh38, 1-based): chr11:68,158,424, G>A on the plus strand (C>T on the coding strand, the complement: KMT5B is on the minus strand). VCF-style: chr11-68158424-G-A. GRCh37 (hg19) VCF-style: chr11-67925891-G-A.
Other names: c.1406C>T, p.Ala469Val (NM_001300907.1, NM_001369428.1, NM_001369429.1 and 4 more transcripts); c.1202C>T, p.Ala401Val (NM_001300908.2); c.1922C>T, p.Ala641Val (NM_001369426.1); c.1922C>T (NM_017635.3); short protein forms A641V, A401V, A469V.
Identifiers: ClinVar variation 917661 (VCV000917661.4), dbSNP rs575248505, ClinGen allele CA6148088.